The following is an entry in ClinVar:

NM_002941.4(ROBO1):c.205C>A (p.Arg69Ser)

Gene: ROBO1 (roundabout guidance receptor 1; minus strand). Cytogenetic location: 3p12.3.
Variant type: single nucleotide variant.
Coding change: c.205C>A on transcript NM_002941.4 (MANE Select); coding-DNA position 205, C replaced by A.
Protein change: p.Arg69Ser; replaces arginine 69 with serine.
Molecular consequence: missense variant.
Genome position (GRCh38, 1-based): chr3:78,938,895, G>T on the plus strand (C>A on the coding strand, the complement: ROBO1 is on the minus strand). VCF-style: chr3-78938895-G-T. GRCh37 (hg19) VCF-style: chr3-78988045-G-T.
Other names: c.88C>A, p.Arg30Ser (NM_001145844.1, NM_001145845.2, NM_133631.4); short protein forms R30S, R69S.
Identifiers: ClinVar variation 2444568 (VCV002444568.1), dbSNP rs749720619, ClinGen allele CA353682318.

ClinVar aggregate classification (germline): Uncertain significance (1 of 4 stars; one submission).

gnomAD v4.1: 1 of 1,610,758 alleles (0.000062%); highest among the groups gnomAD compares: Admixed American, 0.0017%; no homozygotes.

Submission:

GeneDx
Classification: Uncertain significance. Last evaluated: 2022-09-14. Review status: criteria provided, single submitter. Criteria: GeneDx Variant Classification Process June 2021. Collection method: clinical testing. Allele origin: germline. Affected: yes.
Comment: Not observed at significant frequency in large population cohorts (gnomAD); In silico analysis supports that this missense variant has a deleterious effect on protein structure/function; Has not been previously published as pathogenic or benign to our knowledge